The following is an entry in ClinVar:

NM_213655.5(WNK1):c.2981G>A (p.Gly994Glu)

Gene: WNK1 (WNK lysine deficient protein kinase 1; plus strand). Cytogenetic location: 12p13.33.
Variant type: single nucleotide variant.
Coding change: c.2981G>A on transcript NM_213655.5 (MANE Plus Clinical); coding-DNA position 2981, G replaced by A.
Protein change: p.Gly994Glu; replaces glycine 994 with glutamic acid.
Molecular consequence: missense variant. On other transcripts: intron variant (2).
Genome position (GRCh38, 1-based): chr12:868,452, G>A. VCF-style: chr12-868452-G-A. GRCh37 (hg19) VCF-style: chr12-977618-G-A.
Other names: c.2726G>A, p.Gly909Glu (NM_001184985.2); c.2140-2813G>A (NM_018979.4, NM_014823.3); short protein forms G909E, G994E.
Identifiers: ClinVar variation 1716032 (VCV001716032.5), dbSNP rs2548793218, ClinGen allele CA383340025.

ClinVar aggregate classification (germline): Uncertain significance (1 of 4 stars; one submission).

Conditions:
Neuropathy, hereditary sensory and autonomic, type 2A (HSAN2A). Also called: MORVAN DISEASE; NEUROPATHY, CONGENITAL SENSORY; NEUROPATHY, HEREDITARY SENSORY RADICULAR, AUTOSOMAL RECESSIVE; NEUROPATHY, HEREDITARY SENSORY, TYPE IIA; NEUROPATHY, PROGRESSIVE SENSORY, OF CHILDREN; ACROOSTEOLYSIS, GIACCAI TYPE. Identifiers: Orphanet 970, MedGen C2752089, MONDO:0024309, OMIM 201300.
Pseudohypoaldosteronism type 2C (PHA2C). Also called: Pseudohypoaldosteronism Type IIC. Identifiers: Orphanet 757, Orphanet 88940, MedGen C1840391, MONDO:0013778, OMIM 614492.

Submission:

Labcorp Genetics (formerly Invitae), Labcorp
Classification: Uncertain significance for Neuropathy, hereditary sensory and autonomic, type 2A; Pseudohypoaldosteronism type 2C. Last evaluated: 2022-08-18. Review status: criteria provided, single submitter. Criteria: Invitae Variant Classification Sherloc (09022015). Collection method: clinical testing. Allele origin: germline.
Comment: In summary, the available evidence is currently insufficient to determine the role of this variant in disease. Therefore, it has been classified as a Variant of Uncertain Significance. Advanced modeling of protein sequence and biophysical properties (such as structural, functional, and spatial information, amino acid conservation, physicochemical variation, residue mobility, and thermodynamic stability) performed at Invitae indicates that this missense variant is not expected to disrupt WNK1 protein function. This variant has not been reported in the literature in individuals affected with WNK1-related conditions. This variant is not present in population databases (gnomAD no frequency). This sequence change replaces glycine, which is neutral and non-polar, with glutamic acid, which is acidic and polar, at codon 994 of the WNK1 protein (p.Gly994Glu).